The following is an entry in ClinVar:

NM_006767.4(LZTR1):c.2514C>T (p.Ala838=)

Gene: LZTR1 (leucine zipper like post translational regulator 1; plus strand). Cytogenetic location: 22q11.21.
Variant type: single nucleotide variant.
Coding change: c.2514C>T on transcript NM_006767.4 (MANE Select); coding-DNA position 2514, C replaced by T.
Protein change: p.Ala838=; no amino-acid change (alanine 838 retained).
Molecular consequence: synonymous variant.
Genome position (GRCh38, 1-based): chr22:20,997,339, C>T. VCF-style: chr22-20997339-C-T. GRCh37 (hg19) VCF-style: chr22-21351628-C-T.
Identifiers: ClinVar variation 917810 (VCV000917810.11), dbSNP rs772037780, ClinGen allele CA10119486.

ClinVar aggregate classification (germline): Benign/Likely benign. Review status: criteria provided, multiple submitters, no conflicts (2 of 4 stars). 3 submissions from 3 submitters: Benign (1); Likely benign (2). Last evaluated 2025-12-28.

Conditions:
Cardiovascular phenotype. Identifiers: MedGen CN230736.
Hereditary cancer-predisposing syndrome. Also called: Tumor predisposition; Hereditary neoplastic syndrome; Hereditary Cancer Syndrome; Neoplastic Syndromes, Hereditary. Identifiers: Orphanet 140162, MedGen C0027672, MeSH D009386, MONDO:0015356.

Allele frequency attached by ClinVar (database versions not stated): ExAC 0.00003; gnomAD exomes 0.00004 and 0.00005; TOPMed 0.00004; gnomAD 0.00005.
gnomAD v4.1: 63 of 1,612,066 alleles (0.0039%); highest among the groups gnomAD compares: Admixed American, 0.0083%; no homozygotes.

Submissions (3):

Labcorp Genetics (formerly Invitae), Labcorp
Classification: Likely benign. Last evaluated: 2025-12-28. Review status: criteria provided, single submitter. Criteria: Invitae Variant Classification Sherloc (09022015). Collection method: clinical testing. Allele origin: germline.

Ambry Genetics
Classification: Likely benign for Cardiovascular phenotype; Hereditary cancer-predisposing syndrome. Last evaluated: 2021-03-23. Review status: criteria provided, single submitter. Criteria: Ambry Variant Classification Scheme 2023. Collection method: clinical testing. Allele origin: germline.

Women's Health and Genetics/Laboratory Corporation of America, LabCorp
Classification: Benign. Last evaluated: 2020-04-27. Review status: criteria provided, single submitter. Criteria: LabCorp Variant Classification Summary - May 2015. Collection method: clinical testing. Allele origin: germline.
Comment: Variant summary: LZTR1 c.2514C>T alters a non-conserved nucleotide resulting in a synonymous change. 4/4 computational tools predict no significant impact on normal splicing. However, these predictions have yet to be confirmed by functional studies. The variant allele was found at a frequency of 5.2e-05 in 250008 control chromosomes. The observed variant frequency is approximately 10-fold the estimated maximal expected allele frequency for a pathogenic variant in LZTR1 causing Noonan Syndrome And Related Conditions phenotype (5e-06), strongly suggesting that the variant is benign. To our knowledge, no occurrence of c.2514C>T in individuals affected with Noonan Syndrome And Related Conditions and no experimental evidence demonstrating its impact on protein function have been reported. No clinical diagnostic laboratories have submitted clinical-significance assessments for this variant to ClinVar after 2014. Based on the evidence outlined above, the variant was classified as benign.